The following is an entry in ClinVar:

NM_000051.4(ATM):c.5745C>T (p.Tyr1915=)

Gene: ATM (ATM serine/threonine kinase; plus strand). Cytogenetic location: 11q22.3.
Variant type: single nucleotide variant.
Coding change: c.5745C>T on transcript NM_000051.4 (MANE Select); coding-DNA position 5745, C replaced by T.
Protein change: p.Tyr1915=; no amino-acid change (tyrosine 1915 retained).
Molecular consequence: synonymous variant.
Genome position (GRCh38, 1-based): chr11:108,307,967, C>T. VCF-style: chr11-108307967-C-T. GRCh37 (hg19) VCF-style: chr11-108178694-C-T.
Other names: c.5745C>T, p.Tyr1915= (NM_001351834.2).
Identifiers: ClinVar variation 1749406 (VCV001749406.6), dbSNP rs2135977760, ClinGen allele CA476675252.
Genomic context (GRCh38, chr11:108,307,967, plus strand): 5'-CTTTTTCCGATGCTGTTTGGATAAAAAATCACAAAGAACAATGCTTGCTGTTGTGGACTA[C>T]ATGAGAAGACAAAAGAGGTAATGTAATGAGTGTTGCTTCTTACGTTTAGGATCTAGAGTG-3'
Protein context (NP_000042.3, residues 1905-1925): SQRTMLAVVD[Tyr1915=]MRRQKRPSSG

ClinVar aggregate classification (germline): Benign/Likely benign. Review status: criteria provided, multiple submitters, no conflicts (2 of 4 stars). 3 submissions from 3 submitters: Benign (1); Likely benign (2). Last evaluated 2025-06-30.

Conditions:
Hereditary cancer-predisposing syndrome. Also called: Neoplastic Syndromes, Hereditary; Tumor predisposition; Hereditary neoplastic syndrome; Hereditary Cancer Syndrome. Identifiers: Orphanet 140162, MedGen C0027672, MeSH D009386, MONDO:0015356.
Ataxia-telangiectasia syndrome (AT). Also called: Ataxia telangiectasia (A-T); LOUIS-BAR SYNDROME; Cerebello-oculocutaneous telangiectasia; Immunodeficiency with ataxia telangiectasia; Ataxia-telangiectasia, complementation group D; AT, COMPLEMENTATION GROUP C. Identifiers: Orphanet 100, MedGen C0004135, MONDO:0008840, OMIM 208900.
Familial cancer of breast. Also called: BREAST CANCER, FAMILIAL; Hereditary breast cancer; hereditary breast carcinoma. Identifiers: Orphanet 227535, MedGen C0346153, MONDO:0016419, OMIM 114480. Disease mechanism: loss of function.

Submissions (3):

Labcorp Genetics (formerly Invitae), Labcorp
Classification: Likely benign for Ataxia-telangiectasia syndrome. Last evaluated: 2025-06-30. Review status: criteria provided, single submitter. Criteria: Invitae Variant Classification Sherloc (09022015). Collection method: clinical testing. Allele origin: germline.

Myriad Genetics, Inc.
Classification: Benign for Familial cancer of breast. Last evaluated: 2024-05-24. Review status: criteria provided, single submitter. Criteria: Myriad Autosomal Dominant, Autosomal Recessive and X-Linked Classification Criteria (2023). Collection method: clinical testing. Allele origin: unknown.
Comment: This variant is considered benign. This variant is a silent/synonymous amino acid change and it is not expected to impact splicing.

Ambry Genetics
Classification: Likely benign for Hereditary cancer-predisposing syndrome. Last evaluated: 2021-11-14. Review status: criteria provided, single submitter. Criteria: Ambry Variant Classification Scheme 2023. Collection method: clinical testing. Allele origin: germline.